The following is an entry in ClinVar:

NM_000311.5(PRNP):c.*4A>T

Gene: PRNP (prion protein (Kanno blood group); plus strand). Cytogenetic location: 20p13.
Variant type: single nucleotide variant.
Coding change: c.*4A>T on transcript NM_000311.5 (MANE Select); 4 bases downstream of the stop codon, A replaced by T.
Molecular consequence: 3 prime UTR variant.
Genome position (GRCh38, 1-based): chr20:4,699,986, A>T. VCF-style: chr20-4699986-A-T. GRCh37 (hg19) VCF-style: chr20-4680632-A-T.
Other names: c.*4A>T (NM_001080121.3, NM_001080122.3, NM_001080123.3 and 1 more transcripts); c.*455A>T (NM_001271561.3).
Identifiers: ClinVar variation 338653 (VCV000338653.9), dbSNP rs11087654, ClinGen allele CA9752130.
Genomic context (GRCh38, chr20:4,699,986, plus strand): 5'-TCCTCTCCACCTGTGATCCTCCTGATCTCTTTCCTCATCTTCCTGATAGTGGGATGAGGA[A>T]GGTCTTCCTGTTTTCACCATCTTTCTAATCTTTTTCCAGCTTGAGGGAGGCGGTATCCAC-3'

ClinVar aggregate classification (germline): Benign. Review status: criteria provided, multiple submitters, no conflicts (2 of 4 stars). 4 submissions from 4 submitters: Benign (4). Last evaluated 2021-05-05.

Conditions:
Inherited prion disease. Identifiers: Orphanet 280400, MedGen C5679775, MONDO:0017234.

Allele frequency attached by ClinVar (database versions not stated): gnomAD exomes 0.00159 and 0.00412; ExAC 0.00697; gnomAD 0.01601 and 0.01725; 1000 Genomes Project 30x 0.01671; 1000 Genomes Project 0.01677; ESP Exome Variant Server 0.01791; TOPMed 0.01797.

Submissions (4):

GeneDx
Classification: Benign. Last evaluated: 2021-05-05. Review status: criteria provided, single submitter. Criteria: GeneDx Variant Classification Process June 2021. Collection method: clinical testing. Allele origin: germline. Affected: yes.

Mayo Clinic Laboratories, Mayo Clinic
Classification: Benign. Last evaluated: 2020-03-24. Review status: criteria provided, single submitter. Criteria: ACMG Guidelines, 2015. Collection method: clinical testing. Allele origin: germline. Observed: 22 variant alleles.

Illumina Laboratory Services, Illumina
Classification: Benign for Genetic prion diseases. Last evaluated: 2018-01-12. Review status: criteria provided, single submitter. Criteria: ICSL Variant Classification Criteria 13 December 2019. Collection method: clinical testing. Allele origin: germline.
Comment: This variant was observed in the ICSL laboratory as part of a predisposition screen in an ostensibly healthy population. It had not been previously curated by ICSL or reported in the Human Gene Mutation Database (HGMD: prior to June 1st, 2018), and was therefore a candidate for classification through an automated scoring system. Utilizing variant allele frequency, disease prevalence and penetrance estimates, and inheritance mode, an automated score was calculated to assess if this variant is too frequent to cause the disease. Based on the score and internal cut-off values, a variant classified as benign is not then subjected to further curation. The score for this variant resulted in a classification of benign for this disease.

Breakthrough Genomics
Classification: Benign. Review status: criteria provided, single submitter. Criteria: ACMG Guidelines, 2015. Collection method: not provided. Allele origin: germline. Inheritance: Other. Affected: yes.